The following is an entry in ClinVar:

ClinVar aggregate classification (germline): Uncertain significance. Review status: criteria provided, multiple submitters, no conflicts (2 of 4 stars). 4 submissions from 4 submitters: Uncertain significance (4). Last evaluated 2025-10-23.

Conditions:
Inborn genetic diseases. Identifiers: MedGen C0950123, MeSH D030342.
Amyotrophic lateral sclerosis type 1 (ALS1). Also called: AMYOTROPHIC LATERAL SCLEROSIS 1, FAMILIAL. Identifiers: Orphanet 803, MedGen C1862939, MONDO:0007103, OMIM 105400.
Neuronopathy, distal hereditary motor, type 7B. Also called: NEURONOPATHY, DISTAL HEREDITARY MOTOR, AUTOSOMAL DOMINANT 14; NEURONOPATHY, DISTAL HEREDITARY MOTOR, HARDING TYPE VIIB; NEUROPATHY, DISTAL HEREDITARY MOTOR, HARDING TYPE VIIB; NEUROPATHY, DISTAL HEREDITARY MOTOR, WITH VOCAL CORD PARALYSIS, HARDING TYPE VIIB; Distal Hereditary Motor Neuronopathy Type 7B (dHMN7B); HMN VIIB. Identifiers: Orphanet 139589, MedGen C1843315, MONDO:0011879, OMIM 607641.
Perry syndrome. Also called: PARKINSONISM WITH ALVEOLAR HYPOVENTILATION AND MENTAL DEPRESSION. Identifiers: Orphanet 178509, MedGen C1868594, MONDO:0008201, OMIM 168605.

Allele frequency attached by ClinVar (database versions not stated): gnomAD exomes 0.00001 and 0.00005; TOPMed 0.00001; ExAC 0.00002; gnomAD 0.00002 and 0.00003.
gnomAD v4.1: 75 of 1,614,106 alleles (0.0046%); highest among the groups gnomAD compares: Middle Eastern, 0.033%; no homozygotes.

Submissions (4):

Labcorp Genetics (formerly Invitae), Labcorp
Classification: Uncertain significance for Amyotrophic lateral sclerosis type 1; Neuronopathy, distal hereditary motor, type 7B; Perry syndrome. Last evaluated: 2025-10-23. Review status: criteria provided, single submitter. Criteria: Invitae Variant Classification Sherloc (09022015). Collection method: clinical testing. Allele origin: germline.
Comment: This sequence change replaces valine, which is neutral and non-polar, with leucine, which is neutral and non-polar, at codon 496 of the DCTN1 protein (p.Val496Leu). This variant is present in population databases (rs773897036, gnomAD 0.003%). This missense change has been observed in individual(s) with amyotrophic lateral sclerosis (PMID: 28717666, 32397312). ClinVar contains an entry for this variant (Variation ID: 649404). Invitae Evidence Modeling of protein sequence and biophysical properties (such as structural, functional, and spatial information, amino acid conservation, physicochemical variation, residue mobility, and thermodynamic stability) indicates that this missense variant is not expected to disrupt DCTN1 protein function with a negative predictive value of 95%. In summary, the available evidence is currently insufficient to determine the role of this variant in disease. Therefore, it has been classified as a Variant of Uncertain Significance.

ARUP Laboratories, Molecular Genetics and Genomics, ARUP Laboratories
Classification: Uncertain significance. Last evaluated: 2023-11-21. Review status: criteria provided, single submitter. Criteria: ARUP Molecular Germline Variant Investigation Process 2024. Collection method: clinical testing. Allele origin: germline.
Comment: The DCTN1 c.1486G>C; p.Val496Leu variant (rs773897036) is reported in the literature in several individuals affected with amyotrophic lateral sclerosis, although at least one individual carried a pathogenic variant in a different gene that could explain their disease (Garton 2017, Scarlino 2020). The p.Val496Leu variant is found in the non-Finnish European population with an allele frequency of 0.003% (3/113,530 alleles) in the Genome Aggregation Database (v2.1.1). Computational analyses are uncertain whether this variant is neutral or deleterious (REVEL: 0.338). Due to limited information, the clinical significance of this variant is uncertain at this time. References: Garton FC et al. Whole exome sequencing and DNA methylation analysis in a clinical amyotrophic lateral sclerosis cohort. Mol Genet Genomic Med. 2017 Jun 12;5(4):418-428. PMID: 28717666. Scarlino S et al. Burden of Rare Variants in ALS and Axonal Hereditary Neuropathy Genes Influence Survival in ALS: Insights from a Next Generation Sequencing Study of an Italian ALS Cohort. Int J Mol Sci. 2020 May 8;21(9):3346. PMID: 32397312.

Clinical Genetics Laboratory, Skane University Hospital Lund
Classification: Uncertain significance. Last evaluated: 2022-10-25. Review status: criteria provided, single submitter. Criteria: ACMG Guidelines, 2015. Collection method: clinical testing. Allele origin: germline. Affected: yes.

Ambry Genetics
Classification: Uncertain significance for Inborn genetic diseases. Last evaluated: 2019-09-17. Review status: criteria provided, single submitter. Criteria: Ambry Variant Classification Scheme 2023. Collection method: clinical testing. Allele origin: germline.
Comment: The p.V496L variant (also known as c.1486G>C), located in coding exon 14 of the DCTN1 gene, results from a G to C substitution at nucleotide position 1486. The valine at codon 496 is replaced by leucine, an amino acid with highly similar properties. The p.V496L variant was reported in one patient in a cohort of individuals with amotrophic lateral sclerosis (Garton FC et al. Mol Genet Genomic Med, 2017 Jul;5:418-428). This amino acid position is highly conserved in available vertebrate species. In addition, the in silico prediction for this alteration is inconclusive. Since supporting evidence is limited at this time, the clinical significance of this alteration remains unclear.

Literature cited by the submitters: PubMed 28717666 (cited by Labcorp Genetics (formerly Invitae), Labcorp and Ambry Genetics); PubMed 32397312 (cited by Labcorp Genetics (formerly Invitae), Labcorp).

NM_004082.5(DCTN1):c.1486G>C (p.Val496Leu)

Gene: DCTN1 (dynactin subunit 1; minus strand). Cytogenetic location: 2p13.1.
Variant type: single nucleotide variant.
Coding change: c.1486G>C on transcript NM_004082.5 (MANE Select); coding-DNA position 1486, G replaced by C.
Protein change: p.Val496Leu; replaces valine 496 with leucine.
Molecular consequence: missense variant. On other transcripts: non-coding transcript variant (1).
Genome position (GRCh38, 1-based): chr2:74,369,398, C>G on the plus strand (G>C on the coding strand, the complement: DCTN1 is on the minus strand). VCF-style: chr2-74369398-C-G. GRCh37 (hg19) VCF-style: chr2-74596525-C-G.
Other names: c.1426G>C, p.Val476Leu (NM_001135040.3); c.1084G>C, p.Val362Leu (NM_001135041.3, NM_023019.4); c.1375G>C, p.Val459Leu (NM_001190836.2); c.1465G>C, p.Val489Leu (NM_001190837.2); c.1435G>C, p.Val479Leu (NM_001378991.1); c.1417G>C, p.Val473Leu (NM_001378992.1); short protein forms V476L, V489L, V362L, V496L, V459L, V473L, V479L.
Identifiers: ClinVar variation 649404 (VCV000649404.15), dbSNP rs773897036, ClinGen allele CA1722133.
Genomic context (GRCh38, chr2:74,369,398, plus strand): 5'-TCTGCTGGTAGTCTGCAACCGTCTCCTGGGCTGCCTCCACACGCTTCTGGGCCTCACGAA[C>G]CCGCGCGCCTGCCATGTCCAGCTGCTCCCGCAGCTCCAGTTCTGTCTCACGTGCATTCTC-3'
Protein context (NP_004073.2, residues 486-506): REQLDMAGAR[Val496Leu]REAQKRVEAA